The following is an entry in ClinVar:

NM_213622.4(STAMBP):c.475C>G (p.Gln159Glu)

Gene: STAMBP (STAM binding protein; plus strand). Cytogenetic location: 2p13.1.
Variant type: single nucleotide variant.
Coding change: c.475C>G on transcript NM_213622.4 (MANE Select); coding-DNA position 475, C replaced by G.
Protein change: p.Gln159Glu; replaces glutamine 159 with glutamic acid.
Molecular consequence: missense variant. On other transcripts: non-coding transcript variant (4).
Genome position (GRCh38, 1-based): chr2:73,847,486, C>G. VCF-style: chr2-73847486-C-G. GRCh37 (hg19) VCF-style: chr2-74074613-C-G.
Other names: c.475C>G (NM_213622.2); c.475C>G, p.Gln159Glu (NM_001353967.2, NM_001353968.2, NM_001353969.2 and 3 more transcripts); c.70C>G, p.Gln24Glu (NM_001353971.2, NM_001353972.2, NM_001353973.2 and 3 more transcripts); short protein forms Q24E, Q159E.
Identifiers: ClinVar variation 1034282 (VCV001034282.2), dbSNP rs1314125150, ClinGen allele CA347305589.

ClinVar aggregate classification (germline): Uncertain significance. Review status: criteria provided, multiple submitters, no conflicts (2 of 4 stars). 2 submissions from 2 submitters: Uncertain significance (2). Last evaluated 2025-08-09.

Conditions:
Inborn genetic diseases. Identifiers: MedGen C0950123, MeSH D030342.
Microcephaly-capillary malformation syndrome (MICCAP). Identifiers: Orphanet 294016, MedGen C3280296, MONDO:0013659, OMIM 614261.

Allele frequency attached by ClinVar (database versions not stated): gnomAD exomes 0.00001.

Submissions (2):

Ambry Genetics
Classification: Uncertain significance for Inborn genetic diseases. Last evaluated: 2025-08-09. Review status: criteria provided, single submitter. Criteria: Ambry Variant Classification Scheme 2023. Collection method: clinical testing. Allele origin: germline.

Baylor Genetics
Classification: Uncertain significance for Microcephaly-capillary malformation syndrome. Last evaluated: 2018-07-25. Review status: criteria provided, single submitter. Criteria: ACMG Guidelines, 2015. Collection method: clinical testing. Allele origin: unknown. Affected: yes.
Comment: This variant was determined to be of uncertain significance according to ACMG Guidelines, 2015 [PMID:25741868].